The following is an entry in ClinVar:

ClinVar aggregate classification (germline): Uncertain significance. Review status: criteria provided, multiple submitters, no conflicts (2 of 4 stars). 5 submissions from 5 submitters: Uncertain significance (5). Last evaluated 2024-04-23.

Conditions:
Familial hemophagocytic lymphohistiocytosis 3 (FHL3). Also called: UNC13D-Related Familial Hemophagocytic Lymphohistiocytosis (UNC13D-fHLH). Identifiers: Orphanet 540, MedGen C1837174, MONDO:0012146, OMIM 608898.

Allele frequency attached by ClinVar (database versions not stated): gnomAD 0.00008 and 0.00009; gnomAD exomes 0.00009; TOPMed 0.00009; ExAC 0.00012; ESP Exome Variant Server 0.00015; 1000 Genomes Project 30x 0.00016; 1000 Genomes Project 0.00020.
gnomAD v4.1: 140 of 1,591,872 alleles (0.0088%); highest among the groups gnomAD compares: East Asian, 0.034%; 1 homozygote.

Submissions (5):

Women's Health and Genetics/Laboratory Corporation of America, LabCorp
Classification: Uncertain significance. Last evaluated: 2024-04-23. Review status: criteria provided, single submitter. Criteria: LabCorp Variant Classification Summary - May 2015. Collection method: clinical testing. Allele origin: germline.
Comment: Variant summary: UNC13D c.2243C>T (p.Ala748Val) results in a non-conservative amino acid change located in the MUN domain (IPR010439) of the encoded protein sequence. Three of five in-silico tools predict a benign effect of the variant on protein function. The variant allele was found at a frequency of 8.8e-05 in 1585934 control chromosomes in the gnomAD database (v4.1 dataset), including 1 homozygote. This frequency is not higher than the estimated maximum expected for a pathogenic variant in UNC13D causing Familial Hemophagocytic Lymphohistiocytosis (0.0027), allowing no conclusion about variant significance. The variant, c.2243C>T, has been reported in the literature in heterozygous state individuals affected with (suspected) Familial Hemophagocytic Lymphohistiocytosis (e.g. Zhang_2014, McCreary_2019, Xinh_2021), however in at least one of these cases variants found in a different gene could possibly explain the phenotype (McCreary_2019). These reports do not provide unequivocal conclusions about association of the variant with Familial Hemophagocytic Lymphohistiocytosis. At least one publication reported experimental evidence evaluating an impact on protein function, and demonstrated normal activity for the variant protein (Noori_2023). The following publications have been ascertained in the context of this evaluation (PMID: 31664448, 24916509, 31664448, 34339548). ClinVar contains an entry for this variant (Variation ID: 533089). Based on the evidence outlined above, the variant was classified as VUS-possibly benign.

Labcorp Genetics (formerly Invitae), Labcorp
Classification: Uncertain significance for Familial hemophagocytic lymphohistiocytosis 3. Last evaluated: 2022-10-21. Review status: criteria provided, single submitter. Criteria: Invitae Variant Classification Sherloc (09022015). Collection method: clinical testing. Allele origin: germline.
Comment: This sequence change replaces alanine, which is neutral and non-polar, with valine, which is neutral and non-polar, at codon 748 of the UNC13D protein (p.Ala748Val). This variant is present in population databases (rs375724532, gnomAD 0.06%). This missense change has been observed in individual(s) with hemophagocytic lymphohistiocytosis (PMID: 24916509). ClinVar contains an entry for this variant (Variation ID: 533089). Advanced modeling of protein sequence and biophysical properties (such as structural, functional, and spatial information, amino acid conservation, physicochemical variation, residue mobility, and thermodynamic stability) performed at Invitae indicates that this missense variant is not expected to disrupt UNC13D protein function. In summary, the available evidence is currently insufficient to determine the role of this variant in disease. Therefore, it has been classified as a Variant of Uncertain Significance.

Revvity Omics, Revvity
Classification: Uncertain significance for Familial hemophagocytic lymphohistiocytosis 3. Last evaluated: 2021-07-07. Review status: criteria provided, single submitter. Criteria: ACMG Guidelines, 2015. Collection method: clinical testing. Allele origin: germline.

Genetic Services Laboratory, University of Chicago
Classification: Uncertain significance. Last evaluated: 2021-03-24. Review status: criteria provided, single submitter. Criteria: ACMG Guidelines, 2015. Collection method: clinical testing. Allele origin: germline. Affected: no.
Comment: DNA sequence analysis of the UNC13D gene demonstrated a sequence change, c.2243C>T, in exon 23 that results in an amino acid change, p.Ala748Val. This sequence change has been described in gnomAD with a low frequency of 0.053% (dbSNP rs375724532) in the East Asian sub-population. The p.Ala748Val change affects a moderately conserved amino acid residue located in a domain of the UNC13D protein that is not known to be functional. The p.Gln377Arg substitution appears to be benign using several in-silico pathogenicity prediction tools (SIFT, PolyPhen2, Align GVGD,REVEL). This individual was also reported to have a heterozygous change in the PRF1 gene, suggesting a digenic mode of inheritance (PMID:24916509). Due to the lack of sufficient evidences, the clinical significance of the p.Gln377Arg change remains unknown at this time.

GeneDx
Classification: Uncertain significance. Last evaluated: 2019-08-07. Review status: criteria provided, single submitter. Criteria: GeneDx Variant Classification Process June 2021. Collection method: clinical testing. Allele origin: germline. Affected: yes.
Comment: Identified as heterozygous without a second variant in an individual in the literature (Zhang et al., 2014) with familial hemophagocytic lymphohistiocytosis who also had a single heterozygous variant in the PRF1 gene suggesting possible digenic inheritance; In silico analysis, which includes protein predictors and evolutionary conservation, supports that this variant does not alter protein structure/function; This variant is associated with the following publications: (PMID: 24916509)

Literature cited by the submitters: PubMed 24916509 (cited by Women's Health and Genetics/Laboratory Corporation of America, LabCorp and Labcorp Genetics (formerly Invitae), Labcorp); PubMed 31664448 (cited by Women's Health and Genetics/Laboratory Corporation of America, LabCorp); PubMed 34339548 (cited by Women's Health and Genetics/Laboratory Corporation of America, LabCorp).

NM_199242.3(UNC13D):c.2243C>T (p.Ala748Val)

Gene: UNC13D (unc-13 homolog D; minus strand). Cytogenetic location: 17q25.1.
Variant type: single nucleotide variant.
Coding change: c.2243C>T on transcript NM_199242.3 (MANE Select); coding-DNA position 2243, C replaced by T.
Protein change: p.Ala748Val; replaces alanine 748 with valine.
Molecular consequence: missense variant.
Genome position (GRCh38, 1-based): chr17:75,834,380, G>A on the plus strand (C>T on the coding strand, the complement: UNC13D is on the minus strand). VCF-style: chr17-75834380-G-A. GRCh37 (hg19) VCF-style: chr17-73830461-G-A.
Other names: short protein forms A748V.
Identifiers: ClinVar variation 533089 (VCV000533089.12), dbSNP rs375724532, ClinGen allele CA8772631.
Genomic context (GRCh38, chr17:75,834,380, plus strand): 5'-GGTACCTGCTCGGCCAGGGTGCGGACGCCAGTGCGGATCTCATGGCCCAGCCCGGCCAGC[G>A]CGCTCTGCAGCTGGGCATGCAGCGTGTTCTGCAGCTGCCCCTGCTCCAGCACGGCCCCTA-3'
Protein context (NP_954712.1, residues 738-758): QNTLHAQLQS[Ala748Val]LAGLGHEIRT